The following is an entry in ClinVar:

NM_007259.5(VPS45):c.57G>A (p.Gly19=)

Gene: VPS45 (vacuolar protein sorting 45 homolog; plus strand). Cytogenetic location: 1q21.2.
Variant type: single nucleotide variant.
Coding change: c.57G>A on transcript NM_007259.5 (MANE Select); coding-DNA position 57, G replaced by A.
Protein change: p.Gly19=; no amino-acid change (glycine 19 retained).
Molecular consequence: synonymous variant. On other transcripts: 5 prime UTR variant (1), non-coding transcript variant (1), intron variant (1).
Genome position (GRCh38, 1-based): chr1:150,067,914, G>A. VCF-style: chr1-150067914-G-A. GRCh37 (hg19) VCF-style: chr1-150039971-G-A.
Other names: c.-72G>A (NM_001279354.2); c.-16+308G>A (NM_001279353.2); c.57G>A (NM_007259.4).
Identifiers: ClinVar variation 2188176 (VCV002188176.7), dbSNP rs1202625228, ClinGen allele CA420650633.

ClinVar aggregate classification (germline): Likely benign. Review status: criteria provided, multiple submitters, no conflicts (2 of 4 stars). 3 submissions from 3 submitters: Likely benign (2). 1 of the submissions does not count toward it. Last evaluated 2024-08-02.

Conditions:
VPS45-related disorder. Also called: VPS45-related condition.
Congenital neutropenia-myelofibrosis-nephromegaly syndrome. Also called: Severe congenital neutropenia 5, autosomal recessive. Identifiers: Orphanet 369852, MedGen C3809031, MONDO:0014118, OMIM 615285.

gnomAD v4.1: 1 of 1,614,208 alleles (0.000062%); no homozygotes.

Submissions (3):

Blueprint Genetics
Classification: Likely benign. Last evaluated: 2024-08-02. Review status: criteria provided, single submitter. Criteria: ACMG Guidelines, 2015. Collection method: clinical testing. Allele origin: germline.

Labcorp Genetics (formerly Invitae), Labcorp
Classification: Likely benign for Congenital neutropenia-myelofibrosis-nephromegaly syndrome. Last evaluated: 2024-04-01. Review status: criteria provided, single submitter. Criteria: Invitae Variant Classification Sherloc (09022015). Collection method: clinical testing. Allele origin: germline.

PreventionGenetics, part of Exact Sciences
Classification: Likely benign for VPS45-related condition. Last evaluated: 2019-07-11. Review status: no assertion criteria provided. Collection method: clinical testing. Allele origin: germline. Not counted in ClinVar's aggregate classification.
Comment: This variant is classified as likely benign based on ACMG/AMP sequence variant interpretation guidelines (Richards et al. 2015 PMID: 25741868, with internal and published modifications).